The following is an entry in ClinVar:

ClinVar aggregate classification (germline): Uncertain significance (1 of 4 stars; one submission).

Conditions:
Juvenile polyposis syndrome (JPS). Identifiers: Orphanet 2929, MedGen C0345893, MONDO:0017380, OMIM 174900.

Submission:

Labcorp Genetics (formerly Invitae), Labcorp
Classification: Uncertain significance for Juvenile polyposis syndrome. Last evaluated: 2020-05-14. Review status: criteria provided, single submitter. Criteria: Invitae Variant Classification Sherloc (09022015). Collection method: clinical testing. Allele origin: germline.
Comment: Algorithms developed to predict the effect of missense changes on protein structure and function (SIFT, PolyPhen-2, Align-GVGD) all suggest that this variant is likely to be tolerated, but these predictions have not been confirmed by published functional studies and their clinical significance is uncertain. This variant has not been reported in the literature in individuals with BMPR1A-related conditions. This variant is not present in population databases (ExAC no frequency). This sequence change replaces proline with glutamine at codon 145 of the BMPR1A protein (p.Pro145Gln). The proline residue is moderately conserved and there is a moderate physicochemical difference between proline and glutamine. Algorithms developed to predict the effect of sequence changes on RNA splicing suggest that this variant may create or strengthen a splice site, but this prediction has not been confirmed by published transcriptional studies. In summary, the available evidence is currently insufficient to determine the role of this variant in disease. Therefore, it has been classified as a Variant of Uncertain Significance.

NM_004329.3(BMPR1A):c.434C>A (p.Pro145Gln)

Gene: BMPR1A (bone morphogenetic protein receptor type 1A; plus strand). Cytogenetic location: 10q23.2.
Variant type: single nucleotide variant.
Coding change: c.434C>A on transcript NM_004329.3 (MANE Select); coding-DNA position 434, C replaced by A.
Protein change: p.Pro145Gln; replaces proline 145 with glutamine.
Molecular consequence: missense variant.
Genome position (GRCh38, 1-based): chr10:86,900,030, C>A. VCF-style: chr10-86900030-C-A. GRCh37 (hg19) VCF-style: chr10-88659787-C-A.
Other names: short protein forms P145Q.
Identifiers: ClinVar variation 1010405 (VCV001010405.9), dbSNP rs1564717828, ClinGen allele CA377450054.